The following is an entry in ClinVar:

ClinVar aggregate classification (germline): Uncertain significance. Review status: criteria provided, multiple submitters, no conflicts (2 of 4 stars). 2 submissions from 2 submitters: Uncertain significance (2). Last evaluated 2025-01-06.

Conditions:
Distal myopathy with posterior leg and anterior hand involvement. Also called: WILLIAMS DISTAL MYOPATHY. Identifiers: Orphanet 63273, MedGen C3279722, MONDO:0013550, OMIM 614065.
Myofibrillar myopathy 5. Also called: Filaminopathy (type); FILAMINOPATHY, AUTOSOMAL DOMINANT. Identifiers: Orphanet 171445, MedGen C1836050, MONDO:0012289, OMIM 609524.
Hypertrophic cardiomyopathy 26. Also called: Cardiomyopathy, familial hypertrophic, 26. Identifiers: Orphanet 75249, MedGen C4310749, MONDO:0014883, OMIM 617047.
Cardiovascular phenotype. Identifiers: MedGen CN230736.

Allele frequency attached by ClinVar (database versions not stated): gnomAD exomes below 0.00001; gnomAD 0.00001.
gnomAD v4.1: 2 of 1,613,814 alleles (0.00012%); highest among the groups gnomAD compares: African/African-American, 0.0027%; no homozygotes.

Submissions (2):

Labcorp Genetics (formerly Invitae), Labcorp
Classification: Uncertain significance for Distal myopathy with posterior leg and anterior hand involvement; Myofibrillar myopathy 5; Hypertrophic cardiomyopathy 26. Last evaluated: 2025-01-06. Review status: criteria provided, single submitter. Criteria: Invitae Variant Classification Sherloc (09022015). Collection method: clinical testing. Allele origin: germline.
Comment: This sequence change replaces valine, which is neutral and non-polar, with isoleucine, which is neutral and non-polar, at codon 1533 of the FLNC protein (p.Val1533Ile). This variant is not present in population databases (gnomAD no frequency). This variant has not been reported in the literature in individuals affected with FLNC-related conditions. ClinVar contains an entry for this variant (Variation ID: 539349). Invitae Evidence Modeling of protein sequence and biophysical properties (such as structural, functional, and spatial information, amino acid conservation, physicochemical variation, residue mobility, and thermodynamic stability) has been performed for this missense variant. However, the output from this modeling did not meet the statistical confidence thresholds required to predict the impact of this variant on FLNC protein function. In summary, the available evidence is currently insufficient to determine the role of this variant in disease. Therefore, it has been classified as a Variant of Uncertain Significance.

Ambry Genetics
Classification: Uncertain significance for Cardiovascular phenotype. Last evaluated: 2024-09-11. Review status: criteria provided, single submitter. Criteria: Ambry Variant Classification Scheme 2023. Collection method: clinical testing. Allele origin: germline.
Comment: The p.V1533I variant (also known as c.4597G>A), located in coding exon 27 of the FLNC gene, results from a G to A substitution at nucleotide position 4597. The valine at codon 1533 is replaced by isoleucine, an amino acid with highly similar properties. This amino acid position is conserved. In addition, this alteration is predicted to be tolerated by in silico analysis. Based on the available evidence, the clinical significance of this variant remains unclear.

NM_001458.5(FLNC):c.4597G>A (p.Val1533Ile)

Gene: FLNC (filamin C; plus strand). Cytogenetic location: 7q32.1.
Variant type: single nucleotide variant.
Coding change: c.4597G>A on transcript NM_001458.5 (MANE Select); coding-DNA position 4597, G replaced by A.
Protein change: p.Val1533Ile; replaces valine 1533 with isoleucine.
Molecular consequence: missense variant.
Genome position (GRCh38, 1-based): chr7:128,848,577, G>A. VCF-style: chr7-128848577-G-A. GRCh37 (hg19) VCF-style: chr7-128488631-G-A.
Other names: c.4597G>A, p.Val1533Ile (NM_001127487.2); short protein forms V1533I.
Identifiers: ClinVar variation 539349 (VCV000539349.10), dbSNP rs1554399973, ClinGen allele CA369202105.